The following is an entry in ClinVar:

ClinVar aggregate classification (germline): Likely pathogenic (1 of 4 stars; one submission).

Conditions:
Hyperornithinemia-hyperammonemia-homocitrullinuria syndrome (HHHS). Also called: Ornithine translocase deficiency; HHH SYNDROME. Identifiers: Orphanet 415, MedGen C0268540, MONDO:0009393, OMIM 238970.

Submission:

Labcorp Genetics (formerly Invitae), Labcorp
Classification: Likely pathogenic for Hyperornithinemia-hyperammonemia-homocitrullinuria syndrome. Last evaluated: 2023-05-02. Review status: criteria provided, single submitter. Criteria: Invitae Variant Classification Sherloc (09022015). Collection method: clinical testing. Allele origin: germline.
Comment: This sequence change replaces glycine, which is neutral and non-polar, with valine, which is neutral and non-polar, at codon 113 of the SLC25A15 protein (p.Gly113Val). In summary, the currently available evidence indicates that the variant is pathogenic, but additional data are needed to prove that conclusively. Therefore, this variant has been classified as Likely Pathogenic. This variant disrupts the p.Gly113 amino acid residue in SLC25A15. Other variant(s) that disrupt this residue have been determined to be pathogenic (PMID: 16601889, 19242930, 26589310, 30243302). This suggests that this residue is clinically significant, and that variants that disrupt this residue are likely to be disease-causing. Advanced modeling of protein sequence and biophysical properties (such as structural, functional, and spatial information, amino acid conservation, physicochemical variation, residue mobility, and thermodynamic stability) performed at Invitae indicates that this missense variant is expected to disrupt SLC25A15 protein function. ClinVar contains an entry for this variant (Variation ID: 1466769). This variant has not been reported in the literature in individuals affected with SLC25A15-related conditions. This variant is not present in population databases (gnomAD no frequency).

Literature cited by the submitters: PubMed 16601889; PubMed 19242930; PubMed 26589310; PubMed 30243302.

NM_014252.4(SLC25A15):c.338G>T (p.Gly113Val)

Gene: SLC25A15 (solute carrier family 25 member 15; plus strand). Cytogenetic location: 13q14.11.
Variant type: single nucleotide variant.
Coding change: c.338G>T on transcript NM_014252.4 (MANE Select); coding-DNA position 338, G replaced by T.
Protein change: p.Gly113Val; replaces glycine 113 with valine.
Molecular consequence: missense variant.
Genome position (GRCh38, 1-based): chr13:40,805,141, G>T. VCF-style: chr13-40805141-G-T. GRCh37 (hg19) VCF-style: chr13-41379277-G-T.
Other names: short protein forms G113V.
Identifiers: ClinVar variation 1466769 (VCV001466769.6), dbSNP rs2138054088, ClinGen allele CA387917737.